The following is an entry in ClinVar:

NM_000017.4(ACADS):c.27C>T (p.Ala9=)

Gene: ACADS (acyl-CoA dehydrogenase short chain; plus strand). Cytogenetic location: 12q24.31.
Variant type: single nucleotide variant.
Coding change: c.27C>T on transcript NM_000017.4 (MANE Select); coding-DNA position 27, C replaced by T.
Protein change: p.Ala9=; no amino-acid change (alanine 9 retained).
Molecular consequence: synonymous variant.
Genome position (GRCh38, 1-based): chr12:120,725,912, C>T. VCF-style: chr12-120725912-C-T. GRCh37 (hg19) VCF-style: chr12-121163715-C-T.
Other names: p.Ala9=; c.27C>T, p.Ala9= (NM_001302554.2).
Identifiers: ClinVar variation 4683775 (VCV004683775.1).

ClinVar aggregate classification (germline): Likely benign (1 of 4 stars; one submission).

gnomAD v4.1: 2 of 1,557,032 alleles (0.00013%); highest among the groups gnomAD compares: Non-Finnish European, 0.00017%; no homozygotes.

Submission:

Mayo Clinic Laboratories, Mayo Clinic
Classification: Likely benign. Last evaluated: 2025-03-10. Review status: criteria provided, single submitter. Criteria: ACMG Guidelines, 2015. Collection method: clinical testing. Allele origin: germline. Observed: 1 variant allele.
Comment: BP4, BP7